The following is an entry in ClinVar:

NM_000465.4(BARD1):c.1992A>C (p.Arg664Ser)

Gene: BARD1 (BRCA1 associated RING domain 1; minus strand). Cytogenetic location: 2q35.
Variant type: single nucleotide variant.
Coding change: c.1992A>C on transcript NM_000465.4 (MANE Select); coding-DNA position 1992, A replaced by C.
Protein change: p.Arg664Ser; replaces arginine 664 with serine.
Molecular consequence: missense variant. On other transcripts: non-coding transcript variant (3).
Genome position (GRCh38, 1-based): chr2:214,730,420, T>G on the plus strand (A>C on the coding strand, the complement: BARD1 is on the minus strand). VCF-style: chr2-214730420-T-G. GRCh37 (hg19) VCF-style: chr2-215595144-T-G.
Other names: c.1935A>C, p.Arg645Ser (NM_001282543.2); c.639A>C, p.Arg213Ser (NM_001282545.2); c.582A>C, p.Arg194Ser (NM_001282548.2); c.453A>C, p.Arg151Ser (NM_001282549.2); short protein forms R664S, R151S, R645S, R194S, R213S.
Identifiers: ClinVar variation 185794 (VCV000185794.6), dbSNP rs786202462, ClinGen allele CA192970.

ClinVar aggregate classification (germline): Uncertain significance (1 of 4 stars; one submission).

Conditions:
Hereditary cancer-predisposing syndrome. Also called: Hereditary neoplastic syndrome; Neoplastic Syndromes, Hereditary; Tumor predisposition; Hereditary Cancer Syndrome. Identifiers: Orphanet 140162, MedGen C0027672, MeSH D009386, MONDO:0015356.

Submission:

Ambry Genetics
Classification: Uncertain significance for Hereditary cancer-predisposing syndrome. Last evaluated: 2025-04-15. Review status: criteria provided, single submitter. Criteria: Ambry Variant Classification Scheme 2023. Collection method: clinical testing. Allele origin: germline.
Comment: The p.R664S variant (also known as c.1992A>C), located in coding exon 10 of the BARD1 gene, results from an A to C substitution at nucleotide position 1992. The arginine at codon 664 is replaced by serine, an amino acid with dissimilar properties. This amino acid position is well conserved in available vertebrate species. In addition, the in silico prediction for this alteration is inconclusive. Based on the available evidence, the clinical significance of this variant remains unclear.